The following is an entry in ClinVar:

ClinVar aggregate classification (germline): Uncertain significance. Review status: criteria provided, multiple submitters, no conflicts (2 of 4 stars). 2 submissions from 2 submitters: Uncertain significance (2). Last evaluated 2023-05-15.

Conditions:
Immunodeficiency 104. Also called: SCID, AUTOSOMAL RECESSIVE, T CELL-NEGATIVE, B CELL-POSITIVE, NK CELL-POSITIVE; Severe combined immunodeficiency, autosomal recessive, T cell-negative, B cell-positive, NK cell-positive; IMMUNODEFICIENCY 104, SEVERE COMBINED; Severe Combined Immune Deficiency, Autosomal Recessive, TCell -Negative, B Cell-Positive, NK Cell-Positive, IL7R-Related. Identifiers: MedGen C5676890, MONDO:0012163, OMIM 608971.
Inborn genetic diseases. Identifiers: MedGen C0950123, MeSH D030342.

Allele frequency attached by ClinVar (database versions not stated): gnomAD exomes 0.00001 and 0.00002; ExAC 0.00002; TOPMed 0.00002; gnomAD 0.00005 and 0.00006.
gnomAD v4.1: 13 of 1,613,312 alleles (0.00081%); highest among the groups gnomAD compares: African/African-American, 0.0093%; no homozygotes.

Submissions (2):

Ambry Genetics
Classification: Uncertain significance for Inborn genetic diseases. Last evaluated: 2023-05-15. Review status: criteria provided, single submitter. Criteria: Ambry Variant Classification Scheme 2023. Collection method: clinical testing. Allele origin: germline.

Labcorp Genetics (formerly Invitae), Labcorp
Classification: Uncertain significance for Immunodeficiency 104. Last evaluated: 2021-09-01. Review status: criteria provided, single submitter. Criteria: Invitae Variant Classification Sherloc (09022015). Collection method: clinical testing. Allele origin: germline.
Comment: This sequence change replaces lysine with glutamic acid at codon 114 of the IL7R protein (p.Lys114Glu). The lysine residue is highly conserved and there is a small physicochemical difference between lysine and glutamic acid. This variant is present in population databases (rs771667604, ExAC 0.02%). This variant has not been reported in the literature in individuals affected with IL7R-related conditions. Algorithms developed to predict the effect of missense changes on protein structure and function output the following: SIFT: "Deleterious"; PolyPhen-2: "Benign"; Align-GVGD: "Class C0". The glutamic acid amino acid residue is found in multiple mammalian species, which suggests that this missense change does not adversely affect protein function. In summary, the available evidence is currently insufficient to determine the role of this variant in disease. Therefore, it has been classified as a Variant of Uncertain Significance.

NM_002185.5(IL7R):c.340A>G (p.Lys114Glu)

Gene: IL7R (interleukin 7 receptor; plus strand). Cytogenetic location: 5p13.2.
Variant type: single nucleotide variant.
Coding change: c.340A>G on transcript NM_002185.5 (MANE Select); coding-DNA position 340, A replaced by G.
Protein change: p.Lys114Glu; replaces lysine 114 with glutamic acid.
Molecular consequence: missense variant. On other transcripts: non-coding transcript variant (1).
Genome position (GRCh38, 1-based): chr5:35,867,424, A>G. VCF-style: chr5-35867424-A-G. GRCh37 (hg19) VCF-style: chr5-35867526-A-G.
Other names: c.340A>G (NM_002185.2); short protein forms K114E.
Identifiers: ClinVar variation 647548 (VCV000647548.7), dbSNP rs771667604, ClinGen allele CA3231921.
Genomic context (GRCh38, chr5:35,867,424, plus strand): 5'-ATCGAGACAAAGAAATTCTTACTGATTGGAAAGAGCAATATATGTGTGAAGGTTGGAGAA[A>G]AGAGTCTAACCTGCAAAAAAATAGACCTAACCACTATAGGTAAGAAGTTGTATATAAAAG-3'
Protein context (NP_002176.2, residues 104-124): KSNICVKVGE[Lys114Glu]SLTCKKIDLT